The following is an entry in ClinVar:

ClinVar aggregate classification (germline): Uncertain significance (1 of 4 stars; one submission).

Conditions:
Encephalopathy, acute, infection-induced (herpes-specific), susceptibility to, 6. Also called: Herpes simplex encephalitis, susceptibility to, 4. Identifiers: Orphanet 1930, MedGen C3553869, MONDO:0013921, OMIM 614850.

Allele frequency attached by ClinVar (database versions not stated): gnomAD exomes below 0.00001.
gnomAD v4.1: 2 of 1,607,854 alleles (0.00012%); highest among the groups gnomAD compares: South Asian, 0.0011%; no homozygotes.

Submission:

Labcorp Genetics (formerly Invitae), Labcorp
Classification: Uncertain significance for Encephalopathy, acute, infection-induced (herpes-specific), susceptibility to, 6. Last evaluated: 2022-06-19. Review status: criteria provided, single submitter. Criteria: Invitae Variant Classification Sherloc (09022015). Collection method: clinical testing. Allele origin: germline.
Comment: This sequence change replaces tryptophan, which is neutral and slightly polar, with leucine, which is neutral and non-polar, at codon 94 of the TICAM1 protein (p.Trp94Leu). This variant is not present in population databases (gnomAD no frequency). This variant has not been reported in the literature in individuals affected with TICAM1-related conditions. Algorithms developed to predict the effect of missense changes on protein structure and function output the following: SIFT: "Tolerated"; PolyPhen-2: "Benign"; Align-GVGD: "Class C0". The leucine amino acid residue is found in multiple mammalian species, which suggests that this missense change does not adversely affect protein function. In summary, the available evidence is currently insufficient to determine the role of this variant in disease. Therefore, it has been classified as a Variant of Uncertain Significance.

NM_182919.4(TICAM1):c.281G>T (p.Trp94Leu)

Gene: TICAM1 (TIR domain containing adaptor molecule 1; minus strand). Cytogenetic location: 19p13.3.
Variant type: single nucleotide variant.
Coding change: c.281G>T on transcript NM_182919.4 (MANE Select); coding-DNA position 281, G replaced by T.
Protein change: p.Trp94Leu; replaces tryptophan 94 with leucine.
Molecular consequence: missense variant. On other transcripts: intron variant (1).
Genome position (GRCh38, 1-based): chr19:4,818,097, C>A on the plus strand (G>T on the coding strand, the complement: TICAM1 is on the minus strand). VCF-style: chr19-4818097-C-A. GRCh37 (hg19) VCF-style: chr19-4818109-C-A.
Other names: c.239G>T, p.Trp80Leu (NM_001385678.1); c.146G>T, p.Trp49Leu (NM_001385679.1); c.-72+287G>T (NM_001385680.1); short protein forms W49L, W80L, W94L.
Identifiers: ClinVar variation 2008251 (VCV002008251.4), dbSNP rs2512400289, ClinGen allele CA403493040.